The following is an entry in ClinVar:

NM_001267550.2(TTN):c.66693T>C (p.Arg22231=)

Genes: TTN-AS1 (TTN antisense RNA 1; plus strand), TTN (titin; minus strand). Cytogenetic location: 2q31.2.
Variant type: single nucleotide variant.
Coding change: c.66693T>C on transcript NM_001267550.2 (MANE Select); coding-DNA position 66693, T replaced by C.
Protein change: p.Arg22231=; no amino-acid change (arginine 22231 retained).
Molecular consequence: synonymous variant.
Genome position (GRCh38, 1-based): chr2:178,581,575, A>G on the plus strand (T>C on the coding strand, the complement: TTN is on the minus strand). VCF-style: chr2-178581575-A-G. GRCh37 (hg19) VCF-style: chr2-179446302-A-G.
Other names: p.Arg20590=; c.61770T>C, p.Arg20590= (NM_001256850.1); c.39498T>C, p.Arg13166= (NM_003319.4); c.58989T>C, p.Arg19663= (NM_133378.4); c.39873T>C, p.Arg13291= (NM_133432.3); c.40074T>C, p.Arg13358= (NM_133437.4).
Identifiers: ClinVar variation 2062178 (VCV002062178.5), dbSNP rs2468988598, ClinGen allele CA430261927.
Genomic context (GRCh38, chr2:178,581,575, plus strand): 5'-ATAGTGTTTATCTGGCACATCACTGGGGTCACTGTATCCAATCTTATTAACGGCATACAC[A>G]CGGAATTGATATTGTGTGTCTTCCATCAGGCCAGTAACCTCAAAGCGGGTTTTCTGTAGA-3'
Protein context (NP_001254479.2, residues 22221-22241): GLMEDTQYQF[Arg22231=]VYAVNKIGYS

ClinVar aggregate classification (germline): Likely benign. Review status: criteria provided, multiple submitters, no conflicts (2 of 4 stars). 2 submissions from 2 submitters: Likely benign (2). Last evaluated 2025-10-22.

Conditions:
Dilated cardiomyopathy 1G (CMD1G). Identifiers: Orphanet 154, MedGen C1858763, MONDO:0011400, OMIM 604145.
Autosomal recessive limb-girdle muscular dystrophy type 2J (LGMDR10). Also called: Limb-girdle muscular dystrophy, type 2J; MUSCULAR DYSTROPHY, LIMB-GIRDLE, AUTOSOMAL RECESSIVE 10. Identifiers: Orphanet 140922, MedGen C1837342, MONDO:0012127, OMIM 608807.

Allele frequency attached by ClinVar (database versions not stated): gnomAD exomes below 0.00001.
gnomAD v4.1: 1 of 1,612,632 alleles (0.000062%); highest among the groups gnomAD compares: Non-Finnish European, 0.000085%; no homozygotes.

Submissions (2):

Mayo Clinic Laboratories, Mayo Clinic
Classification: Likely benign. Last evaluated: 2025-10-22. Review status: criteria provided, single submitter. Criteria: ACMG Guidelines, 2015. Collection method: clinical testing. Allele origin: germline. Observed: 1 variant allele.
Comment: BP4, BP7, PM2_supporting

Labcorp Genetics (formerly Invitae), Labcorp
Classification: Likely benign for Dilated cardiomyopathy 1G; Autosomal recessive limb-girdle muscular dystrophy type 2J. Last evaluated: 2024-12-04. Review status: criteria provided, single submitter. Criteria: Invitae Variant Classification Sherloc (09022015). Collection method: clinical testing. Allele origin: germline.